The following is an entry in ClinVar:

NM_001776.6(ENTPD1):c.691G>A (p.Glu231Lys)

Genes: ENTPD1 (ectonucleoside triphosphate diphosphohydrolase 1; plus strand), ENTPD1-AS1 (ENTPD1 antisense RNA 1; minus strand). Cytogenetic location: 10q24.1.
Variant type: single nucleotide variant.
Coding change: c.691G>A on transcript NM_001776.6 (MANE Select); coding-DNA position 691, G replaced by A.
Protein change: p.Glu231Lys; replaces glutamic acid 231 with lysine.
Molecular consequence: missense variant.
Genome position (GRCh38, 1-based): chr10:95,845,474, G>A. VCF-style: chr10-95845474-G-A. GRCh37 (hg19) VCF-style: chr10-97605231-G-A.
Other names: c.712G>A, p.Glu238Lys (NM_001098175.2); c.727G>A, p.Glu243Lys (NM_001164178.1, NM_001320916.1); c.691G>A, p.Glu231Lys (NM_001164179.2); c.367G>A, p.Glu123Lys (NM_001164181.1, NM_001312654.1); c.277G>A, p.Glu93Lys (NM_001164182.2, NM_001164183.2); short protein forms E123K, E231K, E238K, E243K, E93K.
Identifiers: ClinVar variation 1344320 (VCV001344320.7), dbSNP rs754284810, ClinGen allele CA5621452.

ClinVar aggregate classification (germline): Uncertain significance. Review status: criteria provided, multiple submitters, no conflicts (2 of 4 stars). 2 submissions from 2 submitters: Uncertain significance (2). Last evaluated 2025-11-24.

Conditions:
Hereditary spastic paraplegia 64. Also called: Spastic paraplegia 64, autosomal recessive; ENTPD1-Related Neurodevelopmental Disorder. Identifiers: Orphanet 401810, MedGen C3810289, MONDO:0014303, OMIM 615683.
Hereditary spastic paraplegia. Also called: Familial spastic paraparesis. Identifiers: Orphanet 685, MedGen C0037773, MONDO:0019064. Disease mechanism: loss of function.

Allele frequency attached by ClinVar (database versions not stated): gnomAD 0.00002 and 0.00003; gnomAD exomes 0.00002 and 0.00011; TOPMed 0.00005; ExAC 0.00012.
gnomAD v4.1: 33 of 1,614,012 alleles (0.002%); highest among the groups gnomAD compares: East Asian, 0.053%; no homozygotes.

Submissions (2):

Labcorp Genetics (formerly Invitae), Labcorp
Classification: Uncertain significance for Hereditary spastic paraplegia 64. Last evaluated: 2025-11-24. Review status: criteria provided, single submitter. Criteria: Invitae Variant Classification Sherloc (09022015). Collection method: clinical testing. Allele origin: germline.
Comment: This sequence change replaces glutamic acid, which is acidic and polar, with lysine, which is basic and polar, at codon 231 of the ENTPD1 protein (p.Glu231Lys). This variant is present in population databases (rs754284810, gnomAD 0.1%). This variant has not been reported in the literature in individuals affected with ENTPD1-related conditions. ClinVar contains an entry for this variant (Variation ID: 1344320). Invitae Evidence Modeling of protein sequence and biophysical properties (such as structural, functional, and spatial information, amino acid conservation, physicochemical variation, residue mobility, and thermodynamic stability) indicates that this missense variant is not expected to disrupt ENTPD1 protein function with a negative predictive value of 80%. In summary, the available evidence is currently insufficient to determine the role of this variant in disease. Therefore, it has been classified as a Variant of Uncertain Significance.

Genome Diagnostics Laboratory, The Hospital for Sick Children
Classification: Uncertain significance for Hereditary spastic paraplegia. Last evaluated: 2016-12-12. Review status: criteria provided, single submitter. Criteria: ACMG Guidelines, 2015. Collection method: clinical testing. Allele origin: germline. Affected: yes.